The following is an entry in ClinVar:

ClinVar aggregate classification (germline): Uncertain significance (1 of 4 stars; one submission).

Submission:

Labcorp Genetics (formerly Invitae), Labcorp
Classification: Uncertain significance. Last evaluated: 2024-04-14. Review status: criteria provided, single submitter. Criteria: Invitae Variant Classification Sherloc (09022015). Collection method: clinical testing. Allele origin: germline.
Comment: This sequence change replaces lysine, which is basic and polar, with arginine, which is basic and polar, at codon 46 of the SYT2 protein (p.Lys46Arg). This variant is not present in population databases (gnomAD no frequency). This variant has not been reported in the literature in individuals affected with SYT2-related conditions. ClinVar contains an entry for this variant (Variation ID: 1380593). An algorithm developed to predict the effect of missense changes on protein structure and function (PolyPhen-2) suggests that this variant is likely to be tolerated. In summary, the available evidence is currently insufficient to determine the role of this variant in disease. Therefore, it has been classified as a Variant of Uncertain Significance.

NM_177402.5(SYT2):c.137A>G (p.Lys46Arg)

Gene: SYT2 (synaptotagmin 2; minus strand). Cytogenetic location: 1q32.1.
Variant type: single nucleotide variant.
Coding change: c.137A>G on transcript NM_177402.5 (MANE Select); coding-DNA position 137, A replaced by G.
Protein change: p.Lys46Arg; replaces lysine 46 with arginine.
Molecular consequence: missense variant.
Genome position (GRCh38, 1-based): chr1:202,605,636, T>C on the plus strand (A>G on the coding strand, the complement: SYT2 is on the minus strand). VCF-style: chr1-202605636-T-C. GRCh37 (hg19) VCF-style: chr1-202574764-T-C.
Other names: c.137A>G, p.Lys46Arg (NM_001136504.1); short protein forms K46R.
Identifiers: ClinVar variation 1380593 (VCV001380593.6), dbSNP rs2149071995, ClinGen allele CA344259650.
Genomic context (GRCh38, chr1:202,605,636, plus strand): 5'-AGCCACCAGAGACACTCACAGGGAATCTTGTTTATCTCATTGAATAACTTCTCCTTCAGT[T>C]TGGCAAACATGTCCTCCTGGCTCTCCCCAGCACCCCCACTCTCAGTGGAGTTGTCCACGG-3'
Protein context (NP_796376.2, residues 36-56): AGESQEDMFA[Lys46Arg]LKEKLFNEIN